The following is an entry in ClinVar:

NM_001374385.1(ATP8B1):c.2536A>G (p.Lys846Glu)

Genes: ATP8B1 (ATPase phospholipid transporting 8B1; minus strand), ATP8B1-AS1 (ATP8B1 antisense RNA 1; plus strand). Cytogenetic location: 18q21.31.
Variant type: single nucleotide variant.
Coding change: c.2536A>G on transcript NM_001374385.1 (MANE Select); coding-DNA position 2536, A replaced by G.
Protein change: p.Lys846Glu; replaces lysine 846 with glutamic acid.
Molecular consequence: missense variant.
Genome position (GRCh38, 1-based): chr18:57,661,345, T>C on the plus strand (A>G on the coding strand, the complement: ATP8B1 is on the minus strand). VCF-style: chr18-57661345-T-C. GRCh37 (hg19) VCF-style: chr18-55328577-T-C.
Other names: c.2386A>G, p.Lys796Glu (NM_001374386.1); c.2536A>G, p.Lys846Glu (NM_005603.6); short protein forms K796E, K846E.
Identifiers: ClinVar variation 4997412 (VCV004997412.1).

ClinVar aggregate classification (germline): Uncertain significance (1 of 4 stars; one submission).

Conditions:
ATP8B1-related disorder. Also called: ATP8B1-related disorders; ATP8B1-related condition.

Submission:

PreventionGenetics, part of Exact Sciences
Classification: Uncertain significance for ATP8B1-related condition. Last evaluated: 2024-11-14. Review status: criteria provided, single submitter. Criteria: ACMG Guidelines, 2015. Collection method: clinical testing. Allele origin: germline.
Comment: The ATP8B1 c.2536A>G variant is predicted to result in the amino acid substitution p.Lys846Glu. To our knowledge, this variant has not been reported in the literature or in a large population database (gnomAD), indicating this variant is rare. At this time, the clinical significance of this variant is uncertain due to the absence of conclusive functional and genetic evidence.